The following is an entry in ClinVar:

NM_001172303.3(MASTL):c.748G>A (p.Val250Ile)

Gene: MASTL (microtubule associated serine/threonine kinase like; plus strand). Cytogenetic location: 10p12.1.
Variant type: single nucleotide variant.
Coding change: c.748G>A on transcript NM_001172303.3 (MANE Select); coding-DNA position 748, G replaced by A.
Protein change: p.Val250Ile; replaces valine 250 with isoleucine.
Molecular consequence: missense variant. On other transcripts: non-coding transcript variant (1).
Genome position (GRCh38, 1-based): chr10:27,165,476, G>A. VCF-style: chr10-27165476-G-A. GRCh37 (hg19) VCF-style: chr10-27454405-G-A.
Other names: p.Val250Ile; c.748G>A, p.Val250Ile (NM_001172304.3, NM_001320756.2, NM_001320757.2 and 1 more transcripts); c.265G>A, p.Val89Ile (NM_001372029.1, NM_001372030.1); short protein forms V89I, V250I.
Identifiers: ClinVar variation 877440 (VCV000877440.5), dbSNP rs750516173, ClinGen allele CA5450054.

ClinVar aggregate classification (germline): Uncertain significance. Review status: criteria provided, multiple submitters, no conflicts (2 of 4 stars). 2 submissions from 2 submitters: Uncertain significance (2). Last evaluated 2024-11-14.

Conditions:
Thrombocytopenia. Identifiers: MedGen C0040034, MeSH D013921, MONDO:0002049, HP:0001873.

Allele frequency attached by ClinVar (database versions not stated): gnomAD exomes 0.00002; TOPMed 0.00007; gnomAD 0.00008 and 0.00007; ExAC 0.00001.
gnomAD v4.1: 44 of 1,613,870 alleles (0.0027%); highest among the groups gnomAD compares: Middle Eastern, 0.016%; no homozygotes.

Submissions (2):

Mayo Clinic Laboratories, Mayo Clinic
Classification: Uncertain significance. Last evaluated: 2024-11-14. Review status: criteria provided, single submitter. Criteria: ACMG Guidelines, 2015. Collection method: clinical testing. Allele origin: germline. Observed: 1 variant allele.
Comment: BP4, PM1_supporting

Illumina Laboratory Services, Illumina
Classification: Uncertain significance for Thrombocytopenia. Last evaluated: 2018-01-12. Review status: criteria provided, single submitter. Criteria: ICSL Variant Classification Criteria 13 December 2019. Collection method: clinical testing. Allele origin: germline.

Literature cited by the submitters: PubMed 28748566 (cited by Mayo Clinic Laboratories, Mayo Clinic).